The following is an entry in ClinVar:

ClinVar aggregate classification (germline): Uncertain significance (1 of 4 stars; one submission).

Conditions:
Inborn genetic diseases. Identifiers: MedGen C0950123, MeSH D030342.

Submission:

Ambry Genetics
Classification: Uncertain significance for Inborn genetic diseases. Last evaluated: 2025-11-22. Review status: criteria provided, single submitter. Criteria: Ambry Variant Classification Scheme 2023. Collection method: clinical testing. Allele origin: germline.
Comment: The p.S1276C variant (also known as c.3827C>G), located in coding exon 34 of the RTEL1 gene, results from a C to G substitution at nucleotide position 3827. The serine at codon 1276 is replaced by cysteine, an amino acid with dissimilar properties. This amino acid position is conserved. In addition, the in silico prediction for this alteration is inconclusive. Based on the available evidence, the clinical significance of this variant remains unclear.

NM_001283009.2(RTEL1):c.3827C>G (p.Ser1276Cys)

Genes: RTEL1 (regulator of telomere elongation helicase 1; plus strand), RTEL1-TNFRSF6B (RTEL1-TNFRSF6B readthrough (NMD candidate); plus strand). Cytogenetic location: 20q13.33.
Variant type: single nucleotide variant.
Coding change: c.3827C>G on transcript NM_001283009.2 (MANE Select); coding-DNA position 3827, C replaced by G.
Protein change: p.Ser1276Cys; replaces serine 1276 with cysteine.
Molecular consequence: missense variant. On other transcripts: non-coding transcript variant (1), synonymous variant (3).
Genome position (GRCh38, 1-based): chr20:63,695,782, C>G. VCF-style: chr20-63695782-C-G. GRCh37 (hg19) VCF-style: chr20-62327135-C-G.
Other names: c.2988C>G, p.Leu996= (NM_001283010.1); c.3657C>G, p.Leu1219= (NM_016434.4); c.3729C>G, p.Leu1243= (NM_032957.5); short protein forms S1276C.
Identifiers: ClinVar variation 4629618 (VCV004629618.1).